The following is an entry in ClinVar:

ClinVar aggregate classification (germline): Uncertain significance (1 of 4 stars; one submission).

Conditions:
POLD1-related polyposis and colorectal cancer syndrome (CRCS10). Also called: Colorectal cancer 10; COLORECTAL CANCER, SUSCEPTIBILITY TO, ON CHROMOSOME 19q; Colorectal cancer, susceptibility to, 10. Identifiers: Orphanet 220460, MedGen C2675481, MONDO:0012953, OMIM 612591.

Allele frequency attached by ClinVar (database versions not stated): gnomAD exomes below 0.00001.
gnomAD v4.1: 1 of 1,613,044 alleles (0.000062%); highest among the groups gnomAD compares: African/African-American, 0.0013%; no homozygotes.

Submission:

Labcorp Genetics (formerly Invitae), Labcorp
Classification: Uncertain significance for POLD1-related polyposis and colorectal cancer syndrome. Last evaluated: 2022-12-18. Review status: criteria provided, single submitter. Criteria: Invitae Variant Classification Sherloc (09022015). Collection method: clinical testing. Allele origin: germline.
Comment: In summary, the available evidence is currently insufficient to determine the role of this variant in disease. Therefore, it has been classified as a Variant of Uncertain Significance. Advanced modeling of protein sequence and biophysical properties (such as structural, functional, and spatial information, amino acid conservation, physicochemical variation, residue mobility, and thermodynamic stability) performed at Invitae indicates that this missense variant is not expected to disrupt POLD1 protein function. This variant has not been reported in the literature in individuals affected with POLD1-related conditions. This variant is not present in population databases (gnomAD no frequency). This sequence change replaces serine, which is neutral and polar, with arginine, which is basic and polar, at codon 548 of the POLD1 protein (p.Ser548Arg).

NM_002691.4(POLD1):c.1642A>C (p.Ser548Arg)

Gene: POLD1 (DNA polymerase delta 1, catalytic subunit; plus strand). Cytogenetic location: 19q13.33.
Variant type: single nucleotide variant.
Coding change: c.1642A>C on transcript NM_002691.4 (MANE Select); coding-DNA position 1642, A replaced by C.
Protein change: p.Ser548Arg; replaces serine 548 with arginine.
Molecular consequence: missense variant. On other transcripts: non-coding transcript variant (1).
Genome position (GRCh38, 1-based): chr19:50,407,130, A>C. VCF-style: chr19-50407130-A-C. GRCh37 (hg19) VCF-style: chr19-50910387-A-C.
Other names: c.1642A>C, p.Ser548Arg (NM_001256849.1, NM_001308632.1); short protein forms S548R.
Identifiers: ClinVar variation 2821855 (VCV002821855.3), dbSNP rs2514000822, ClinGen allele CA406981035.
Genomic context (GRCh38, chr19:50,407,130, plus strand): 5'-GTGCTGGTGAACGCCGTGGAGATGGCGAGGGTCACTGGCGTGCCCCTCAGCTACCTGCTC[A>C]GTCGTGGCCAGCAGGTCAAGGTCGTATCCCAGCTGTTGCGGCAGGTCAGTAGCCGAGACT-3'
Protein context (NP_002682.2, residues 538-558): VTGVPLSYLL[Ser548Arg]RGQQVKVVSQ